The following is an entry in ClinVar:

NM_001009944.3(PKD1):c.4875C>T (p.Phe1625=)

Gene: PKD1 (polycystin 1, transient receptor potential channel interacting; minus strand). Cytogenetic location: 16p13.3.
Variant type: single nucleotide variant.
Coding change: c.4875C>T on transcript NM_001009944.3 (MANE Select); coding-DNA position 4875, C replaced by T.
Protein change: p.Phe1625=; no amino-acid change (phenylalanine 1625 retained).
Molecular consequence: synonymous variant.
Genome position (GRCh38, 1-based): chr16:2,110,292, G>A on the plus strand (C>T on the coding strand, the complement: PKD1 is on the minus strand). VCF-style: chr16-2110292-G-A. GRCh37 (hg19) VCF-style: chr16-2160293-G-A.
Other names: c.4875C>T, p.Phe1625= (NM_000296.4).
Identifiers: ClinVar variation 4979482 (VCV004979482.1).
Genomic context (GRCh38, chr16:2,110,292, plus strand): 5'-GGGGAAGTAGCGGCCACCGCCCACCACCTGCAGCCCCTCTATGAGCTGCAGGACATAGAC[G>A]AAGATGCTGTCCTGGGCGGAGCCCACCTCGTTCTCAGCCGTGACGATGATATTGAAGGTG-3'
Protein context (NP_001009944.3, residues 1615-1635): NEVGSAQDSI[Phe1625=]VYVLQLIEGL

ClinVar aggregate classification (germline): Likely benign (1 of 4 stars; one submission).

Conditions:
PKD1-related disorder. Also called: PKD1-related condition.

gnomAD v4.1: 32 of 1,612,498 alleles (0.002%); highest among the groups gnomAD compares: Admixed American, 0.022%; no homozygotes.

Submission:

PreventionGenetics, part of Exact Sciences
Classification: Likely benign for PKD1-related condition. Last evaluated: 2025-10-06. Review status: criteria provided, single submitter. Criteria: ACMG Guidelines, 2015. Collection method: clinical testing. Allele origin: germline.
Comment: This variant is classified as likely benign based on ACMG/AMP sequence variant interpretation guidelines (Richards et al. 2015 PMID: 25741868, with internal and published modifications).